The following is an entry in ClinVar:

ClinVar aggregate classification (germline): Uncertain significance (1 of 4 stars; one submission).

Conditions:
Phelan-McDermid syndrome. Also called: TELOMERIC 22q13 MONOSOMY SYNDROME; 22q13.3 deletion syndrome; Phelan-McDermid Syndrome-SHANK3 Related. Identifiers: Orphanet 48652, MedGen C1853490, MONDO:0011652, OMIM 606232.

Submission:

OLLIN Analises Genomicas, OLLIN
Classification: Uncertain significance for Phelan-McDermid syndrome. Last evaluated: 2026-08-06. Review status: criteria provided, single submitter. Criteria: ACMG Guidelines 2015 PMID 25741868. Collection method: clinical testing. Allele origin: germline. Inheritance: Autosomal dominant inheritance.
Comment: This missense variant, located in exon 24 (of 25), is absent from gnomAD and ClinVar and has not been identified in the literature. In silico analysis predicts that this variant has a tolerated effect. According to the currently available evidence, this variant has been classified as uncertain significance (PM2_P, BP4_M).

NM_001372044.2(SHANK3):c.4322G>A (p.Ser1441Asn)

Gene: SHANK3 (SH3 and multiple ankyrin repeat domains 3; plus strand). Cytogenetic location: 22q13.33.
Variant type: single nucleotide variant.
Coding change: c.4322G>A on transcript NM_001372044.2 (MANE Select); coding-DNA position 4322, G replaced by A.
Protein change: p.Ser1441Asn; replaces serine 1441 with asparagine.
Molecular consequence: missense variant.
Genome position (GRCh38, 1-based): chr22:50,721,930, G>A. VCF-style: chr22-50721930-G-A. GRCh37 (hg19) VCF-style: chr22-51160358-G-A.
Other names: short protein forms S1441N.
Identifiers: ClinVar variation 5002704 (VCV005002704.1).